The following is an entry in ClinVar:

ClinVar aggregate classification (germline): Benign. Review status: criteria provided, multiple submitters, no conflicts (2 of 4 stars). 9 submissions from 9 submitters: Benign (7). 2 of the submissions do not count toward it. Last evaluated 2026-02-02.

Conditions:
Spinocerebellar ataxia type 19/22 (SCA19). Also called: SPINOCEREBELLAR ATAXIA 22; SPINOCEREBELLAR ATAXIA 19. Identifiers: Orphanet 98772, MedGen C1846367, MONDO:0011819, OMIM 607346.
Cardiovascular phenotype. Identifiers: MedGen CN230736.

Allele frequency attached by ClinVar (database versions not stated): gnomAD exomes 0.00130 and 0.00323; ExAC 0.00435; gnomAD 0.01153 and 0.01243; 1000 Genomes Project 0.01258; TOPMed 0.01296; ESP Exome Variant Server 0.01322; 1000 Genomes Project 30x 0.01343.
gnomAD v4.1: 3,778 of 1,613,456 alleles (0.23%); highest among the groups gnomAD compares: African/African-American, 3.9%; 65 homozygotes.

Submissions (9):

Labcorp Genetics (formerly Invitae), Labcorp
Classification: Benign for Spinocerebellar ataxia type 19/22. Last evaluated: 2026-02-02. Review status: criteria provided, single submitter. Criteria: Invitae Variant Classification Sherloc (09022015). Collection method: clinical testing. Allele origin: germline.

Mayo Clinic Laboratories, Mayo Clinic
Classification: Benign. Last evaluated: 2024-06-21. Review status: criteria provided, single submitter. Criteria: ACMG Guidelines, 2015. Collection method: clinical testing. Allele origin: germline. Observed: 10 variant alleles.
Comment: BS1, BS2, BP4, BP7

Women's Health and Genetics/Laboratory Corporation of America, LabCorp
Classification: Benign. Last evaluated: 2024-06-17. Review status: criteria provided, single submitter. Criteria: LabCorp Variant Classification Summary - May 2015. Collection method: clinical testing. Allele origin: germline.

Athena Diagnostics
Classification: Benign. Last evaluated: 2024-03-20. Review status: criteria provided, single submitter. Criteria: Athena Diagnostics Criteria. Collection method: clinical testing. Allele origin: unknown.

GeneDx
Classification: Benign. Last evaluated: 2016-12-12. Review status: criteria provided, single submitter. Criteria: GeneDx Variant Classification (06012015). Collection method: clinical testing. Allele origin: germline. Affected: yes.
Comment: This variant is considered likely benign or benign based on one or more of the following criteria: it is a conservative change, it occurs at a poorly conserved position in the protein, it is predicted to be benign by multiple in silico algorithms, and/or has population frequency not consistent with disease.

Ambry Genetics
Classification: Benign for Cardiovascular phenotype. Last evaluated: 2016-06-07. Review status: criteria provided, single submitter. Criteria: Ambry Variant Classification Scheme 2023. Collection method: clinical testing. Allele origin: germline.

Breakthrough Genomics
Classification: Benign. Review status: criteria provided, single submitter. Criteria: ACMG Guidelines, 2015. Collection method: not provided. Allele origin: germline. Inheritance: Autosomal dominant inheritance. Affected: yes.

Clinical Genetics DNA and cytogenetics Diagnostics Lab, Erasmus MC, Erasmus Medical Center
Classification: Benign. Review status: no assertion criteria provided. Collection method: clinical testing. Allele origin: germline. Affected: yes. Study: VKGL Data-share Consensus. Not counted in ClinVar's aggregate classification.

Clinical Genetics, Academic Medical Center
Classification: Benign. Review status: no assertion criteria provided. Collection method: clinical testing. Allele origin: germline. Affected: yes. Study: VKGL Data-share Consensus. Not counted in ClinVar's aggregate classification.

NM_001378969.1(KCND3):c.1323C>T (p.Tyr441=)

Gene: KCND3 (potassium voltage-gated channel subfamily D member 3; minus strand). Cytogenetic location: 1p13.2.
Variant type: single nucleotide variant.
Coding change: c.1323C>T on transcript NM_001378969.1 (MANE Select); coding-DNA position 1323, C replaced by T.
Protein change: p.Tyr441=; no amino-acid change (tyrosine 441 retained).
Molecular consequence: synonymous variant.
Genome position (GRCh38, 1-based): chr1:111,780,738, G>A on the plus strand (C>T on the coding strand, the complement: KCND3 is on the minus strand). VCF-style: chr1-111780738-G-A. GRCh37 (hg19) VCF-style: chr1-112323360-G-A.
Other names: p.Tyr441=; c.1323C>T, p.Tyr441= (NM_001378970.1, NM_004980.5, NM_172198.3).
Identifiers: ClinVar variation 386373 (VCV000386373.24), dbSNP rs17215458, ClinGen allele CA1007469.